The following is an entry in ClinVar:

ClinVar aggregate classification (germline): Uncertain significance (1 of 4 stars; one submission).

Conditions:
LAMA2-related muscular dystrophy (LAMA2-RD). Also called: Laminin alpha 2-related dystrophy. Identifiers: MedGen C5679788, MONDO:0100228.

Submission:

Labcorp Genetics (formerly Invitae), Labcorp
Classification: Uncertain significance for LAMA2-related muscular dystrophy. Last evaluated: 2022-06-22. Review status: criteria provided, single submitter. Criteria: Invitae Variant Classification Sherloc (09022015). Collection method: clinical testing. Allele origin: germline.
Comment: In summary, the available evidence is currently insufficient to determine the role of this variant in disease. Therefore, it has been classified as a Variant of Uncertain Significance. Advanced modeling of protein sequence and biophysical properties (such as structural, functional, and spatial information, amino acid conservation, physicochemical variation, residue mobility, and thermodynamic stability) performed at Invitae indicates that this missense variant is expected to disrupt LAMA2 protein function. This variant has not been reported in the literature in individuals affected with LAMA2-related conditions. This variant is not present in population databases (gnomAD no frequency). This sequence change replaces leucine, which is neutral and non-polar, with proline, which is neutral and non-polar, at codon 3078 of the LAMA2 protein (p.Leu3078Pro).

NM_000426.4(LAMA2):c.9233T>C (p.Leu3078Pro)

Gene: LAMA2 (laminin subunit alpha 2; plus strand). Cytogenetic location: 6q22.33.
Variant type: single nucleotide variant.
Coding change: c.9233T>C on transcript NM_000426.4 (MANE Select); coding-DNA position 9233, T replaced by C.
Protein change: p.Leu3078Pro; replaces leucine 3078 with proline.
Molecular consequence: missense variant.
Genome position (GRCh38, 1-based): chr6:129,516,211, T>C. VCF-style: chr6-129516211-T-C. GRCh37 (hg19) VCF-style: chr6-129837356-T-C.
Other names: c.9221T>C, p.Leu3074Pro (NM_001079823.2); short protein forms L3074P, L3078P.
Identifiers: ClinVar variation 2066360 (VCV002066360.4), dbSNP rs368937576, ClinGen allele CA365637228.